The following is an entry in ClinVar:

NM_012431.3(SEMA3E):c.1826C>T (p.Ala609Val)

Gene: SEMA3E (semaphorin 3E; minus strand). Cytogenetic location: 7q21.11.
Variant type: single nucleotide variant.
Coding change: c.1826C>T on transcript NM_012431.3 (MANE Select); coding-DNA position 1826, C replaced by T.
Protein change: p.Ala609Val; replaces alanine 609 with valine.
Molecular consequence: missense variant.
Genome position (GRCh38, 1-based): chr7:83,385,343, G>A on the plus strand (C>T on the coding strand, the complement: SEMA3E is on the minus strand). VCF-style: chr7-83385343-G-A. GRCh37 (hg19) VCF-style: chr7-83014659-G-A.
Other names: c.1646C>T, p.Ala549Val (NM_001178129.2); short protein forms A549V, A609V.
Identifiers: ClinVar variation 2635750 (VCV002635750.3), dbSNP rs778141353, ClinGen allele CA4321891.

ClinVar aggregate classification (germline): Uncertain significance. Review status: criteria provided, multiple submitters, no conflicts (2 of 4 stars). 2 submissions from 2 submitters: Uncertain significance (2). Last evaluated 2025-07-29.

Conditions:
SEMA3E-related disorder. Also called: SEMA3E-related condition.
CHARGE syndrome (CHARGE). Also called: Hittner Hirsch Kreh syndrome; CHARGE ASSOCIATION--COLOBOMA, HEART ANOMALY, CHOANAL ATRESIA, RETARDATION, GENITAL AND EAR ANOMALIES; Coloboma, heart anomaly, choanal atresia, retardation, genital and ear anomalies; CHARGE association; Hall-Hittner syndrome. Identifiers: Orphanet 138, MedGen C0265354, MONDO:0008965.

Allele frequency attached by ClinVar (database versions not stated): ExAC 0.00002; gnomAD 0.00003.
gnomAD v4.1: 21 of 1,613,124 alleles (0.0013%); highest among the groups gnomAD compares: Admixed American, 0.0033%; no homozygotes.

Submissions (2):

PreventionGenetics, part of Exact Sciences
Classification: Uncertain significance for SEMA3E-related condition. Last evaluated: 2025-07-29. Review status: criteria provided, single submitter. Criteria: ACMG Guidelines, 2015. Collection method: clinical testing. Allele origin: germline.
Comment: The SEMA3E c.1826C>T variant is predicted to result in the amino acid substitution p.Ala609Val. To our knowledge, this variant has not been reported in the literature. This variant is reported in 0.0054% of alleles in individuals of East Asian descent in gnomAD. At this time, the clinical significance of this variant is uncertain due to the absence of conclusive functional and genetic evidence.

Labcorp Genetics (formerly Invitae), Labcorp
Classification: Uncertain significance for CHARGE syndrome. Last evaluated: 2024-05-02. Review status: criteria provided, single submitter. Criteria: Invitae Variant Classification Sherloc (09022015). Collection method: clinical testing. Allele origin: germline.
Comment: This sequence change replaces alanine, which is neutral and non-polar, with valine, which is neutral and non-polar, at codon 609 of the SEMA3E protein (p.Ala609Val). This variant is present in population databases (rs778141353, gnomAD 0.006%). This variant has not been reported in the literature in individuals affected with SEMA3E-related conditions. ClinVar contains an entry for this variant (Variation ID: 2635750). Advanced modeling of protein sequence and biophysical properties (such as structural, functional, and spatial information, amino acid conservation, physicochemical variation, residue mobility, and thermodynamic stability) performed at Invitae indicates that this missense variant is not expected to disrupt SEMA3E protein function with a negative predictive value of 80%. In summary, the available evidence is currently insufficient to determine the role of this variant in disease. Therefore, it has been classified as a Variant of Uncertain Significance.